The following is an entry in ClinVar:

ClinVar aggregate classification (germline): Uncertain significance (1 of 4 stars; one submission).

gnomAD v4.1: 8 of 1,614,126 alleles (0.0005%); highest among the groups gnomAD compares: Admixed American, 0.005%; no homozygotes.

Submission:

GeneDx
Classification: Uncertain significance. Last evaluated: 2025-06-12. Review status: criteria provided, single submitter. Criteria: GeneDx Variant Classification Process June 2021. Collection method: clinical testing. Allele origin: germline. Affected: yes.
Comment: In silico analysis supports that this missense variant has a deleterious effect on protein structure/function; Has not been previously published as pathogenic or benign to our knowledge

NM_004285.4(H6PD):c.446A>G (p.Tyr149Cys)

Gene: H6PD (hexose-6-phosphate dehydrogenase/glucose 1-dehydrogenase; plus strand). Cytogenetic location: 1p36.22.
Variant type: single nucleotide variant.
Coding change: c.446A>G on transcript NM_004285.4 (MANE Select); coding-DNA position 446, A replaced by G.
Protein change: p.Tyr149Cys; replaces tyrosine 149 with cysteine.
Molecular consequence: missense variant.
Genome position (GRCh38, 1-based): chr1:9,245,380, A>G. VCF-style: chr1-9245380-A-G. GRCh37 (hg19) VCF-style: chr1-9305439-A-G.
Other names: c.479A>G, p.Tyr160Cys (NM_001282587.2); short protein forms Y149C, Y160C.
Identifiers: ClinVar variation 4538145 (VCV004538145.1).